The following is an entry in ClinVar:

ClinVar aggregate classification (germline): Benign (0 of 4 stars; one submission).

Conditions:
PCBP3-related disorder. Also called: PCBP3-related condition.

Allele frequency attached by ClinVar (database versions not stated): ExAC 0.76954; ESP Exome Variant Server 0.77023; gnomAD 0.77794; TOPMed 0.78940; 1000 Genomes Project 30x 0.87929; 1000 Genomes Project 0.88139.
gnomAD v4.1: 1,163,059 of 1,612,578 alleles (72%); highest among the groups gnomAD compares: East Asian, 100%; 425,531 homozygotes.

Submission:

PreventionGenetics, part of Exact Sciences
Classification: Benign for PCBP3-related condition. Last evaluated: 2019-10-29. Review status: no assertion criteria provided. Collection method: clinical testing. Allele origin: germline.
Comment: This variant is classified as benign based on ACMG/AMP sequence variant interpretation guidelines (Richards et al. 2015 PMID: 25741868, with internal and published modifications).

NM_001384156.1(PCBP3):c.423T>C (p.Cys141=)

Gene: PCBP3 (poly(rC) binding protein 3; plus strand). Cytogenetic location: 21q22.3.
Variant type: single nucleotide variant.
Coding change: c.423T>C on transcript NM_001384156.1 (MANE Select); coding-DNA position 423, T replaced by C.
Protein change: p.Cys141=; no amino-acid change (cysteine 141 retained).
Molecular consequence: synonymous variant. On other transcripts: non-coding transcript variant (2).
Genome position (GRCh38, 1-based): chr21:45,909,438, T>C. VCF-style: chr21-45909438-T-C. GRCh37 (hg19) VCF-style: chr21-47329352-T-C.
Other names: c.423T>C, p.Cys141= (NM_001130141.2, NM_001348238.2, NM_001348239.2 and 17 more transcripts); c.327T>C, p.Cys109= (NM_001348242.2, NM_001382276.1).
Identifiers: ClinVar variation 3059228 (VCV003059228.2), dbSNP rs2277812, ClinGen allele CA10068934.